The following is an entry in ClinVar:

ClinVar aggregate classification (germline): Uncertain significance. Review status: criteria provided, multiple submitters, no conflicts (2 of 4 stars). 3 submissions from 3 submitters: Uncertain significance (3). Last evaluated 2025-11-08.

Conditions:
Inborn genetic diseases. Identifiers: MedGen C0950123, MeSH D030342.

Allele frequency attached by ClinVar (database versions not stated): gnomAD exomes 0.00002; gnomAD 0.00009 and 0.00011; TOPMed 0.00015.
gnomAD v4.1: 31 of 1,296,572 alleles (0.0024%); highest among the groups gnomAD compares: African/African-American, 0.048%; 1 homozygote.

Submissions (3):

GeneDx
Classification: Uncertain significance. Last evaluated: 2025-11-08. Review status: criteria provided, single submitter. Criteria: GeneDx Variant Classification Process June 2021. Collection method: clinical testing. Allele origin: germline. Affected: yes.
Comment: In silico analysis suggests that this missense variant does not alter protein structure/function; Has not been previously published as pathogenic or benign to our knowledge

Labcorp Genetics (formerly Invitae), Labcorp
Classification: Uncertain significance. Last evaluated: 2022-03-10. Review status: criteria provided, single submitter. Criteria: Invitae Variant Classification Sherloc (09022015). Collection method: clinical testing. Allele origin: germline.
Comment: This sequence change replaces valine, which is neutral and non-polar, with glycine, which is neutral and non-polar, at codon 543 of the ESPN protein (p.Val543Gly). This variant is present in population databases (no rsID available, gnomAD 0.05%). This variant has not been reported in the literature in individuals affected with ESPN-related conditions. Algorithms developed to predict the effect of missense changes on protein structure and function are either unavailable or do not agree on the potential impact of this missense change (SIFT: "Deleterious"; PolyPhen-2: "Benign"; Align-GVGD: "Class C0"). Algorithms developed to predict the effect of sequence changes on RNA splicing suggest that this variant may disrupt the consensus splice site. In summary, the available evidence is currently insufficient to determine the role of this variant in disease. Therefore, it has been classified as a Variant of Uncertain Significance.

Ambry Genetics
Classification: Uncertain significance for Inborn genetic diseases. Last evaluated: 2021-12-03. Review status: criteria provided, single submitter. Criteria: Ambry Variant Classification Scheme 2023. Collection method: clinical testing. Allele origin: germline.

NM_031475.3(ESPN):c.1628T>G (p.Val543Gly)

Gene: ESPN (espin; plus strand). Cytogenetic location: 1p36.31.
Variant type: single nucleotide variant.
Coding change: c.1628T>G on transcript NM_031475.3 (MANE Select); coding-DNA position 1628, T replaced by G.
Protein change: p.Val543Gly; replaces valine 543 with glycine.
Molecular consequence: missense variant. On other transcripts: splice donor variant (2).
Genome position (GRCh38, 1-based): chr1:6,448,804, T>G. VCF-style: chr1-6448804-T-G. GRCh37 (hg19) VCF-style: chr1-6508864-T-G.
Other names: c.1626+2T>G (NM_001367474.1, NM_001367473.1); short protein forms V543G.
Identifiers: ClinVar variation 1506781 (VCV001506781.6), dbSNP rs954222909, ClinGen allele CA17211668.